The following is an entry in ClinVar:

NM_006186.4(NR4A2):c.1144C>G (p.Leu382Val)

Gene: NR4A2 (nuclear receptor subfamily 4 group A member 2; minus strand). Cytogenetic location: 2q24.1.
Variant type: single nucleotide variant.
Coding change: c.1144C>G on transcript NM_006186.4 (MANE Select); coding-DNA position 1144, C replaced by G.
Protein change: p.Leu382Val; replaces leucine 382 with valine.
Molecular consequence: missense variant.
Genome position (GRCh38, 1-based): chr2:156,327,865, G>C on the plus strand (C>G on the coding strand, the complement: NR4A2 is on the minus strand). VCF-style: chr2-156327865-G-C. GRCh37 (hg19) VCF-style: chr2-157184377-G-C.
Other names: c.955C>G, p.Leu319Val (NM_173173.3); short protein forms L319V, L382V.
Identifiers: ClinVar variation 1700885 (VCV001700885.3), dbSNP rs1396264680, ClinGen allele CA348680862.
Genomic context (GRCh38, chr2:156,327,865, plus strand): 5'-CATCTGTCGGTTTGTCCACATGATATCCCCCCCGCCAGCTTCTTACCCTGGAATAGTCCA[G>C]GCTGGTCATAGCCGGGTTGGAGTCGACATGGGCCCTGACGAGGGCACTGATCAGACTCAC-3'
Protein context (NP_006177.1, residues 372-392): HVDSNPAMTS[Leu382Val]DYSRFQANPD

ClinVar aggregate classification (germline): Uncertain significance (1 of 4 stars; one submission).

Allele frequency attached by ClinVar (database versions not stated): gnomAD exomes below 0.00001; TOPMed below 0.00001; gnomAD 0.00001.
gnomAD v4.1: 2 of 1,585,968 alleles (0.00013%); highest among the groups gnomAD compares: Non-Finnish European, 0.00017%; no homozygotes.

Submission:

GeneDx
Classification: Uncertain significance. Last evaluated: 2023-05-23. Review status: criteria provided, single submitter. Criteria: GeneDx Variant Classification Process June 2021. Collection method: clinical testing. Allele origin: germline. Affected: yes.
Comment: Not observed at significant frequency in large population cohorts (gnomAD); In silico analysis supports that this missense variant has a deleterious effect on protein structure/function; Has not been previously published as pathogenic or benign to our knowledge